The following is an entry in ClinVar:

NM_016955.4(SEPSECS):c.672_675del (p.Ser225fs)

Gene: SEPSECS (Sep (O-phosphoserine) tRNA:Sec (selenocysteine) tRNA synthase; minus strand). Cytogenetic location: 4p15.2.
Variant type: Deletion.
Coding change: c.672_675del on transcript NM_016955.4 (MANE Select); coding-DNA positions 672 to 675, 4 bases deleted (ATCC; older notation c.672_675delATCC).
Protein change: p.Ser225fs; shifts the reading frame from serine 225.
Molecular consequence: frameshift variant.
Genome position (GRCh38, 1-based): chr4:25,155,024-25,155,027, GGAT deleted on the plus strand (ATCC on the coding strand, the reverse complement: SEPSECS is on the minus strand); deleting any 4 consecutive bases within chr4:25,155,024-25,155,028 gives the same sequence; the c. name uses the placement nearest the transcript's 3' end. VCF-style (leftmost placement, unchanged base first): chr4-25155023-AGGAT-A. GRCh37 (hg19) VCF-style: chr4-25156645-AGGAT-A.
Other names: c.927_930del, p.Ser310fs (NM_001410714.1); short protein forms S225fs, S310fs.
Identifiers: ClinVar variation 4081795 (VCV004081795.1).
Genomic context (GRCh38, chr4:25,155,023, plus strand): 5'-AAACAGCTAAAGGACAATATTCACAAATCATTTACCTATCAGGCACCCTTGGAGCAAAAC[AGGAT>A]GTAGTAGAATGAATACACAGAATGCAATCAGGCCCAAGTTCCTGGACTTTAGCCTCCACT-3'

ClinVar aggregate classification (germline): Pathogenic (1 of 4 stars; one submission).

Conditions:
Pontocerebellar hypoplasia type 2D (PCH2D). Also called: Progressive cerebello-cerebral atrophy. Identifiers: Orphanet 247198, Orphanet 2524, MedGen C3151140, MONDO:0013438, OMIM 613811.

Submission:

Myriad Genetics, Inc.
Classification: Pathogenic for Pontocerebellar hypoplasia type 2D. Last evaluated: 2025-06-23. Review status: criteria provided, single submitter. Criteria: Myriad Autosomal Dominant, Autosomal Recessive and X-Linked Classification Criteria (2023). Collection method: clinical testing. Allele origin: unknown.
Comment: NM_016955.3(SEPSECS):c.672_675delATCC(S225Vfs*10) is a frameshift variant classified as pathogenic in the context of pontocerebellar hypoplasia, SEPSECS-related. S225Vfs*10 has not been observed in cases with relevant disease. Relevant functional assessments of this variant are not available in the literature. S225Vfs*10 has not been observed in referenced population frequency databases. In summary, NM_016955.3(SEPSECS):c.672_675delATCC(S225Vfs*10) is a frameshift variant in a gene where loss of function is a known mechanism of disease and is predicted to disrupt protein function. Please note: this variant was assessed in the context of healthy population screening.